The following is an entry in ClinVar:

ClinVar aggregate classification (germline): Uncertain significance (1 of 4 stars; one submission).

Conditions:
Joubert syndrome. Also called: CEREBELLOPARENCHYMAL DISORDER IV; JOUBERT-BOLTSHAUSER SYNDROME; Familial aplasia of the vermis. Identifiers: Orphanet 475, MedGen C5979921, MONDO:0018772.
Meckel-Gruber syndrome. Also called: DYSENCEPHALIA SPLANCHNOCYSTICA; GRUBER SYNDROME; Dysencephalia splachnocystica. Identifiers: Orphanet 564, MedGen C0265215, MONDO:0018921.

Submission:

Labcorp Genetics (formerly Invitae), Labcorp
Classification: Uncertain significance for Joubert syndrome; Meckel-Gruber syndrome. Last evaluated: 2022-07-26. Review status: criteria provided, single submitter. Criteria: Invitae Variant Classification Sherloc (09022015). Collection method: clinical testing. Allele origin: germline.
Comment: In summary, the available evidence is currently insufficient to determine the role of this variant in disease. Therefore, it has been classified as a Variant of Uncertain Significance. Advanced modeling of protein sequence and biophysical properties (such as structural, functional, and spatial information, amino acid conservation, physicochemical variation, residue mobility, and thermodynamic stability) performed at Invitae indicates that this missense variant is not expected to disrupt TMEM67 protein function. ClinVar contains an entry for this variant (Variation ID: 1396962). This variant has not been reported in the literature in individuals affected with TMEM67-related conditions. This variant is not present in population databases (gnomAD no frequency). This sequence change replaces lysine, which is basic and polar, with threonine, which is neutral and polar, at codon 424 of the TMEM67 protein (p.Lys424Thr).

NM_153704.6(TMEM67):c.1271A>C (p.Lys424Thr)

Gene: TMEM67 (transmembrane protein 67; plus strand). Cytogenetic location: 8q22.1.
Variant type: single nucleotide variant.
Coding change: c.1271A>C on transcript NM_153704.6 (MANE Select); coding-DNA position 1271, A replaced by C.
Protein change: p.Lys424Thr; replaces lysine 424 with threonine.
Molecular consequence: missense variant. On other transcripts: non-coding transcript variant (1).
Genome position (GRCh38, 1-based): chr8:93,785,361, A>C. VCF-style: chr8-93785361-A-C. GRCh37 (hg19) VCF-style: chr8-94797589-A-C.
Other names: c.1028A>C, p.Lys343Thr (NM_001142301.1); short protein forms K424T, K343T.
Identifiers: ClinVar variation 1396962 (VCV001396962.8), dbSNP rs2130686722, ClinGen allele CA371689500.